The following is an entry in ClinVar:

ClinVar aggregate classification (germline): Likely pathogenic (1 of 4 stars; one submission).

Conditions:
Propionic acidemia (PROP). Also called: GLYCINEMIA, KETOTIC; HYPERGLYCINEMIA WITH KETOACIDOSIS AND LEUKOPENIA; KETOTIC HYPERGLYCINEMIA. Identifiers: Orphanet 35, MedGen C0268579, MONDO:0011628, OMIM 606054, HP:0003571.

Submission:

Labcorp Genetics (formerly Invitae), Labcorp
Classification: Likely pathogenic for Propionic acidemia. Last evaluated: 2022-03-11. Review status: criteria provided, single submitter. Criteria: Invitae Variant Classification Sherloc (09022015). Collection method: clinical testing. Allele origin: germline.
Comment: In summary, the currently available evidence indicates that the variant is pathogenic, but additional data are needed to prove that conclusively. Therefore, this variant has been classified as Likely Pathogenic. Algorithms developed to predict the effect of sequence changes on RNA splicing suggest that this variant may disrupt the consensus splice site. Disruption of this splice site has been observed in individual(s) with propionic acidemia (PMID: 27227689). This variant is not present in population databases (gnomAD no frequency). This sequence change affects a donor splice site in intron 3 of the PCCB gene. It is expected to disrupt RNA splicing. Variants that disrupt the donor or acceptor splice site typically lead to a loss of protein function (PMID: 16199547), and loss-of-function variants in PCCB are known to be pathogenic (PMID: 15464417).

Literature cited by the submitters: PubMed 27227689; PubMed 16199547; PubMed 15464417.

NM_000532.5(PCCB):c.372+1G>A

Gene: PCCB (propionyl-CoA carboxylase subunit beta; plus strand). Cytogenetic location: 3q22.3.
Variant type: single nucleotide variant.
Coding change: c.372+1G>A on transcript NM_000532.5 (MANE Select); the canonical splice donor site of the intron after coding-DNA position 372, G replaced by A.
Molecular consequence: splice donor variant.
Genome position (GRCh38, 1-based): chr3:136,256,624, G>A. VCF-style: chr3-136256624-G-A. GRCh37 (hg19) VCF-style: chr3-135975466-G-A.
Other names: c.372+1G>A (NM_001178014.2).
Identifiers: ClinVar variation 2105977 (VCV002105977.4), dbSNP rs2529750602, ClinGen allele CA354738782.
Genomic context (GRCh38, chr3:136,256,624, plus strand): 5'-GACAGCGTGGTCACTGGACGAGGCCGAATCAATGGAAGATTGGTTTATGTCTTCAGTCAG[G>A]TATTTCATAACTCCAATAGTCTGAACTTTTCTTGGAGGGCAGAGCCAAGAGGAAAATATG-3'